The following is an entry in ClinVar:

ClinVar aggregate classification (germline): Uncertain significance (1 of 4 stars; one submission).

Submission:

CeGaT Center for Human Genetics Tuebingen
Classification: Uncertain significance. Last evaluated: 2026-02-01. Review status: criteria provided, single submitter. Criteria: CeGaT Center For Human Genetics Tuebingen Variant Classification Criteria Version 2. Collection method: clinical testing. Allele origin: germline. Affected: yes. Observed: 1 variant allele.
Comment: KIF4A: PM2

NM_012310.5(KIF4A):c.2249A>C (p.Glu750Ala)

Gene: KIF4A (kinesin family member 4A; plus strand). Cytogenetic location: Xq13.1.
Variant type: single nucleotide variant.
Coding change: c.2249A>C on transcript NM_012310.5 (MANE Select); coding-DNA position 2249, A replaced by C.
Protein change: p.Glu750Ala; replaces glutamic acid 750 with alanine.
Molecular consequence: missense variant.
Genome position (GRCh38, 1-based): chrX:70,395,687, A>C. VCF-style: chrX-70395687-A-C. GRCh37 (hg19) VCF-style: chrX-69615537-A-C.
Other names: short protein forms E750A.
Identifiers: ClinVar variation 4823507 (VCV004823507.4).